The following is an entry in ClinVar:

NM_018192.4(P3H2):c.111G>C (p.Glu37Asp)

Gene: P3H2 (prolyl 3-hydroxylase 2; minus strand). Cytogenetic location: 3q28.
Variant type: single nucleotide variant.
Coding change: c.111G>C on transcript NM_018192.4 (MANE Select); coding-DNA position 111, G replaced by C.
Protein change: p.Glu37Asp; replaces glutamic acid 37 with aspartic acid.
Molecular consequence: missense variant. On other transcripts: intron variant (1).
Genome position (GRCh38, 1-based): chr3:190,120,621, C>G on the plus strand (G>C on the coding strand, the complement: P3H2 is on the minus strand). VCF-style: chr3-190120621-C-G. GRCh37 (hg19) VCF-style: chr3-189838410-C-G.
Other names: c.-64+1582G>C (NM_001134418.2); short protein forms E37D.
Identifiers: ClinVar variation 1936424 (VCV001936424.5), dbSNP rs550784725, ClinGen allele CA90197234.

ClinVar aggregate classification (germline): Uncertain significance (1 of 4 stars; one submission).

Allele frequency attached by ClinVar (database versions not stated): gnomAD 0.00001; 1000 Genomes Project 30x 0.00016; 1000 Genomes Project 0.00020.
gnomAD v4.1: 8 of 1,531,838 alleles (0.00052%); highest among the groups gnomAD compares: South Asian, 0.0072%; no homozygotes.

Submission:

Labcorp Genetics (formerly Invitae), Labcorp
Classification: Uncertain significance. Last evaluated: 2022-03-05. Review status: criteria provided, single submitter. Criteria: Invitae Variant Classification Sherloc (09022015). Collection method: clinical testing. Allele origin: germline.
Comment: This sequence change replaces glutamic acid, which is acidic and polar, with aspartic acid, which is acidic and polar, at codon 37 of the P3H2 protein (p.Glu37Asp). This variant is present in population databases (rs550784725, gnomAD 0.009%). This variant has not been reported in the literature in individuals affected with P3H2-related conditions. Algorithms developed to predict the effect of missense changes on protein structure and function output the following: SIFT: "Tolerated"; PolyPhen-2: "Benign"; Align-GVGD: "Class C0". The aspartic acid amino acid residue is found in multiple mammalian species, which suggests that this missense change does not adversely affect protein function. In summary, the available evidence is currently insufficient to determine the role of this variant in disease. Therefore, it has been classified as a Variant of Uncertain Significance.